The following is an entry in ClinVar:

ClinVar aggregate classification (germline): Uncertain significance (1 of 4 stars; one submission).

Conditions:
Spastic paraplegia. Identifiers: MedGen C0037772, HP:0001258.

Allele frequency attached by ClinVar (database versions not stated): gnomAD exomes below 0.00001.

Submission:

Labcorp Genetics (formerly Invitae), Labcorp
Classification: Uncertain significance for Spastic paraplegia. Last evaluated: 2021-12-24. Review status: criteria provided, single submitter. Criteria: Invitae Variant Classification Sherloc (09022015). Collection method: clinical testing. Allele origin: germline.
Comment: In summary, the available evidence is currently insufficient to determine the role of this variant in disease. Therefore, it has been classified as a Variant of Uncertain Significance. Advanced modeling of protein sequence and biophysical properties (such as structural, functional, and spatial information, amino acid conservation, physicochemical variation, residue mobility, and thermodynamic stability) performed at Invitae indicates that this missense variant is not expected to disrupt KIF5A protein function. This variant has not been reported in the literature in individuals affected with KIF5A-related conditions. This variant is present in population databases (no rsID available, gnomAD 0.01%). This sequence change replaces methionine, which is neutral and non-polar, with threonine, which is neutral and polar, at codon 68 of the KIF5A protein (p.Met68Thr).

NM_004984.4(KIF5A):c.203T>C (p.Met68Thr)

Gene: KIF5A (kinesin family member 5A; plus strand). Cytogenetic location: 12q13.3.
Variant type: single nucleotide variant.
Coding change: c.203T>C on transcript NM_004984.4 (MANE Select); coding-DNA position 203, T replaced by C.
Protein change: p.Met68Thr; replaces methionine 68 with threonine.
Molecular consequence: missense variant. On other transcripts: intron variant (1).
Genome position (GRCh38, 1-based): chr12:57,563,512, T>C. VCF-style: chr12-57563512-T-C. GRCh37 (hg19) VCF-style: chr12-57957295-T-C.
Other names: c.130-948T>C (NM_001354705.2); short protein forms M68T.
Identifiers: ClinVar variation 2058058 (VCV002058058.4), dbSNP rs1230201278, ClinGen allele CA385492848.
Genomic context (GRCh38, chr12:57,563,512, plus strand): 5'-TTTTTGACCGTGTATTCCCCCCAAACACGACTCAAGAGCAAGTTTATCATGCATGTGCCA[T>C]GCAGATTGTCAAAGGTAATAGATTTCTTTTTAGAATGTCTCTTCTCAGCACCCCATTTCC-3'
Protein context (NP_004975.2, residues 58-78): TQEQVYHACA[Met68Thr]QIVKDVLAGY